The following is an entry in ClinVar:

NM_152564.5(VPS13B):c.7558G>T (p.Glu2520Ter)

Gene: VPS13B (vacuolar protein sorting 13 homolog B; plus strand). Cytogenetic location: 8q22.2.
Variant type: single nucleotide variant.
Coding change: c.7558G>T on transcript NM_152564.5 (MANE Select); coding-DNA position 7558, G replaced by T.
Protein change: p.Glu2520Ter; replaces glutamic acid 2520 with a stop codon.
Molecular consequence: nonsense.
Genome position (GRCh38, 1-based): chr8:99,778,810, G>T. VCF-style: chr8-99778810-G-T. GRCh37 (hg19) VCF-style: chr8-100791038-G-T.
Other names: c.7633G>T, p.Glu2545Ter (NM_017890.5); short protein forms E2520*, E2545*.
Identifiers: ClinVar variation 1452843 (VCV001452843.7), dbSNP rs2130678821, ClinGen allele CA371876222.

ClinVar aggregate classification (germline): Pathogenic/Likely pathogenic. Review status: criteria provided, multiple submitters, no conflicts (2 of 4 stars). 2 submissions from 2 submitters: Pathogenic (1); Likely pathogenic (1). Last evaluated 2023-02-05.

Conditions:
VPS13B-related disorder. Also called: VPS13B-related condition.
Cohen syndrome (COH1). Also called: Cutis verticis gyrata, retinitis pigmentosa, and sensorineural deafness; PEPPER SYNDROME. Identifiers: Orphanet 193, MedGen C0265223, MONDO:0008999, OMIM 216550.

Submissions (2):

Labcorp Genetics (formerly Invitae), Labcorp
Classification: Pathogenic for Cohen syndrome. Last evaluated: 2023-02-05. Review status: criteria provided, single submitter. Criteria: Invitae Variant Classification Sherloc (09022015). Collection method: clinical testing. Allele origin: germline.
Comment: For these reasons, this variant has been classified as Pathogenic. ClinVar contains an entry for this variant (Variation ID: 1452843). This variant has not been reported in the literature in individuals affected with VPS13B-related conditions. This variant is not present in population databases (gnomAD no frequency). This sequence change creates a premature translational stop signal (p.Glu2545*) in the VPS13B gene. It is expected to result in an absent or disrupted protein product. Loss-of-function variants in VPS13B are known to be pathogenic (PMID: 15141358, 16648375, 20461111).

Blueprint Genetics
Classification: Likely pathogenic for VPS13B-related disorders. Last evaluated: 2023-01-09. Review status: criteria provided, single submitter. Criteria: ACMG Guidelines, 2015. Collection method: clinical testing. Allele origin: germline. Affected: yes. Observed: 1 variant allele.

Literature cited by the submitters: PubMed 15141358 (cited by Labcorp Genetics (formerly Invitae), Labcorp); PubMed 16648375 (cited by Labcorp Genetics (formerly Invitae), Labcorp); PubMed 20461111 (cited by Labcorp Genetics (formerly Invitae), Labcorp).